The following is an entry in ClinVar:

NM_014946.4(SPAST):c.1145G>C (p.Gly382Ala)

Gene: SPAST (spastin; plus strand). Cytogenetic location: 2p22.3.
Variant type: single nucleotide variant.
Coding change: c.1145G>C on transcript NM_014946.4 (MANE Select); coding-DNA position 1145, G replaced by C.
Protein change: p.Gly382Ala; replaces glycine 382 with alanine.
Molecular consequence: missense variant.
Genome position (GRCh38, 1-based): chr2:32,126,994, G>C. VCF-style: chr2-32126994-G-C. GRCh37 (hg19) VCF-style: chr2-32352063-G-C.
Other names: c.1142G>C, p.Gly381Ala (NM_001363823.2); c.1046G>C, p.Gly349Ala (NM_001363875.2); c.1049G>C, p.Gly350Ala (NM_001377959.1, NM_199436.2); short protein forms G382A, G349A, G350A, G381A.
Identifiers: ClinVar variation 1405665 (VCV001405665.8), dbSNP rs2148744995, ClinGen allele CA346501290.

ClinVar aggregate classification (germline): Uncertain significance (1 of 4 stars; one submission).

Conditions:
Hereditary spastic paraplegia 4. Also called: Spastic paraplegia 4, autosomal dominant; Familial spastic paraplegia autosomal dominant 2; Spastic Paraplegia 4. Identifiers: Orphanet 100985, MedGen C1866855, MONDO:0008438, OMIM 182601.

Submission:

Labcorp Genetics (formerly Invitae), Labcorp
Classification: Uncertain significance for Hereditary spastic paraplegia 4. Last evaluated: 2021-07-14. Review status: criteria provided, single submitter. Criteria: Invitae Variant Classification Sherloc (09022015). Collection method: clinical testing. Allele origin: germline.
Comment: This sequence change replaces glycine with alanine at codon 382 of the SPAST protein (p.Gly382Ala). The glycine residue is highly conserved and there is a small physicochemical difference between glycine and alanine. This variant is not present in population databases (ExAC no frequency). This variant has not been reported in the literature in individuals affected with SPAST-related conditions. Advanced modeling of protein sequence and biophysical properties (such as structural, functional, and spatial information, amino acid conservation, physicochemical variation, residue mobility, and thermodynamic stability) performed at Invitae indicates that this missense variant is expected to disrupt SPAST protein function. In summary, the available evidence is currently insufficient to determine the role of this variant in disease. Therefore, it has been classified as a Variant of Uncertain Significance.